The following is an entry in ClinVar:

ClinVar aggregate classification (germline): Uncertain significance. Review status: criteria provided, multiple submitters, no conflicts (2 of 4 stars). 2 submissions from 2 submitters: Uncertain significance (2). Last evaluated 2025-07-15.

Conditions:
Early-infantile DEE. Also called: Early infantile epileptic encephalopathy; Early infantile epileptic encephalopathy with suppression bursts; Ohtahara syndrome. Identifiers: Orphanet 1934, MedGen C0393706, MONDO:0800491.
Inborn genetic diseases. Identifiers: MedGen C0950123, MeSH D030342.

Submissions (2):

Ambry Genetics
Classification: Uncertain significance for Inborn genetic diseases. Last evaluated: 2025-07-15. Review status: criteria provided, single submitter. Criteria: Ambry Variant Classification Scheme 2023. Collection method: clinical testing. Allele origin: germline.

Labcorp Genetics (formerly Invitae), Labcorp
Classification: Uncertain significance for Early-infantile DEE. Last evaluated: 2023-01-06. Review status: criteria provided, single submitter. Criteria: Invitae Variant Classification Sherloc (09022015). Collection method: clinical testing. Allele origin: germline.
Comment: This sequence change replaces asparagine, which is neutral and polar, with aspartic acid, which is acidic and polar, at codon 2126 of the SPTAN1 protein (p.Asn2126Asp). In summary, the available evidence is currently insufficient to determine the role of this variant in disease. Therefore, it has been classified as a Variant of Uncertain Significance. Advanced modeling of protein sequence and biophysical properties (such as structural, functional, and spatial information, amino acid conservation, physicochemical variation, residue mobility, and thermodynamic stability) has been performed at Invitae for this missense variant, however the output from this modeling did not meet the statistical confidence thresholds required to predict the impact of this variant on SPTAN1 protein function. This variant has not been reported in the literature in individuals affected with SPTAN1-related conditions. This variant is not present in population databases (gnomAD no frequency).

NM_001130438.3(SPTAN1):c.6376A>G (p.Asn2126Asp)

Gene: SPTAN1 (spectrin alpha, non-erythrocytic 1; plus strand). Cytogenetic location: 9q34.11.
Variant type: single nucleotide variant.
Coding change: c.6376A>G on transcript NM_001130438.3 (MANE Select); coding-DNA position 6376, A replaced by G.
Protein change: p.Asn2126Asp; replaces asparagine 2126 with aspartic acid.
Molecular consequence: missense variant.
Genome position (GRCh38, 1-based): chr9:128,626,487, A>G. VCF-style: chr9-128626487-A-G. GRCh37 (hg19) VCF-style: chr9-131388766-A-G.
Other names: c.6301A>G, p.Asn2101Asp (NM_001195532.2); c.6376A>G, p.Asn2126Asp (NM_001363759.2, NM_001375310.1, NM_001375311.2 and 1 more transcripts); c.6316A>G, p.Asn2106Asp (NM_001363765.2, NM_001375314.2); c.6412A>G, p.Asn2138Asp (NM_001375312.2, NM_001375318.1); c.6361A>G, p.Asn2121Asp (NM_003127.4); c.6376A>G (NM_001130438.2); short protein forms N2138D, N2101D, N2106D, N2121D, N2126D.
Identifiers: ClinVar variation 2813592 (VCV002813592.4), dbSNP rs2542207888, ClinGen allele CA375088586.